The following is an entry in ClinVar:

NM_006230.4(POLD2):c.582-13C>G

Gene: POLD2 (DNA polymerase delta 2, accessory subunit; minus strand). Cytogenetic location: 7p13.
Variant type: single nucleotide variant.
Coding change: c.582-13C>G on transcript NM_006230.4 (MANE Select); 13 bases into the intron before coding-DNA position 582, C replaced by G.
Molecular consequence: intron variant.
Genome position (GRCh38, 1-based): chr7:44,117,028, G>C on the plus strand (C>G on the coding strand, the complement: POLD2 is on the minus strand). VCF-style: chr7-44117028-G-C. GRCh37 (hg19) VCF-style: chr7-44156627-G-C.
Other names: c.582-13C>G (NM_001127218.3, NM_001256879.2).
Identifiers: ClinVar variation 4798276 (VCV004798276.1).
Genomic context (GRCh38, chr7:44,117,028, plus strand): 5'-TCGCCTCCACCGCCACCCAGGCCCAGGCCGGACACCAGTAGCACAAACCTGCGGGAGAAG[G>C]TGGGGTCCTCCAGGGTGCCGAGAAGGGAGGCAGCCCCTCCTAGGTGCAACTCAAAGATTC-3'

ClinVar aggregate classification (germline): Uncertain significance (1 of 4 stars; one submission).

Submission:

Labcorp Genetics (formerly Invitae), Labcorp
Classification: Uncertain significance. Last evaluated: 2025-07-29. Review status: criteria provided, single submitter. Criteria: Invitae Variant Classification Sherloc (09022015). Collection method: clinical testing. Allele origin: germline.
Comment: This sequence change falls in intron 5 of the POLD2 gene. It does not directly change the encoded amino acid sequence of the POLD2 protein. This variant is not present in population databases (gnomAD no frequency). This variant has not been reported in the literature in individuals affected with POLD2-related conditions. Algorithms developed to predict the effect of sequence changes on RNA splicing suggest that this variant may disrupt the consensus splice site. In summary, the available evidence is currently insufficient to determine the role of this variant in disease. Therefore, it has been classified as a Variant of Uncertain Significance.